The following is an entry in ClinVar:

ClinVar aggregate classification (germline): Likely benign (1 of 4 stars; one submission).

Allele frequency attached by ClinVar (database versions not stated): gnomAD exomes 0.00002; gnomAD 0.00003; TOPMed 0.00003 and 0.00004; ExAC 0.00002; ESP Exome Variant Server 0.00015.
gnomAD v4.1: 16 of 1,583,838 alleles (0.001%); highest among the groups gnomAD compares: African/African-American, 0.0067%; no homozygotes.

Submission:

GeneDx
Classification: Likely benign. Last evaluated: 2017-10-05. Review status: criteria provided, single submitter. Criteria: GeneDx Variant Classification (06012015). Collection method: clinical testing. Allele origin: germline. Affected: yes.
Comment: This variant is considered likely benign or benign based on one or more of the following criteria: it is a conservative change, it occurs at a poorly conserved position in the protein, it is predicted to be benign by multiple in silico algorithms, and/or has population frequency not consistent with disease.

NM_015443.4(KANSL1):c.-34G>A

Gene: KANSL1 (KAT8 regulatory NSL complex subunit 1). Cytogenetic location: 17q21.31.
Variant type: single nucleotide variant.
Coding change: c.-34G>A on transcript NM_015443.4 (MANE Select); 34 bases upstream of the start codon, G replaced by A.
Molecular consequence: 5 prime UTR variant.
Genome position (GRCh38, 1-based): chr17:46,172,177, C>T on the plus strand (G>A on the coding strand, the complement: KANSL1 is on the minus strand). VCF-style: chr17-46172177-C-T. GRCh37 (hg19) VCF-style: chr17-44249543-C-T.
Other names: c.-34G>A (NM_001193465.2, NM_001193466.2, NM_001379198.1).
Identifiers: ClinVar variation 508183 (VCV000508183.1), dbSNP rs369409842, ClinGen allele CA8619140.